The following is an entry in ClinVar:

NM_001388303.1(HECTD4):c.4864G>A (p.Val1622Met)

Gene: HECTD4 (HECT domain E3 ubiquitin protein ligase 4; minus strand). Cytogenetic location: 12q24.13.
Variant type: single nucleotide variant.
Coding change: c.4864G>A on transcript NM_001388303.1 (MANE Select); coding-DNA position 4864, G replaced by A.
Protein change: p.Val1622Met; replaces valine 1622 with methionine.
Molecular consequence: missense variant.
Genome position (GRCh38, 1-based): chr12:112,243,447, C>T on the plus strand (G>A on the coding strand, the complement: HECTD4 is on the minus strand). VCF-style: chr12-112243447-C-T. GRCh37 (hg19) VCF-style: chr12-112681251-C-T.
Other names: c.4894G>A, p.Val1632Met (NM_001109662.4); c.4462G>A (NM_001109662.3); short protein forms V1622M, V1632M.
Identifiers: ClinVar variation 2643338 (VCV002643338.25), dbSNP rs61941332, ClinGen allele CA6797375.

ClinVar aggregate classification (germline): Likely benign. Review status: criteria provided, single submitter (1 of 4 stars). 2 submissions from 2 submitters: Likely benign (1). 1 of the submissions does not count toward it. Last evaluated 2023-01-01.

Conditions:
HECTD4-related disorder. Also called: HECTD4-related condition.

Allele frequency attached by ClinVar (database versions not stated): TOPMed 0.00157; gnomAD 0.00159; ExAC 0.00190; ESP Exome Variant Server 0.00272; 1000 Genomes Project 30x 0.00031; 1000 Genomes Project 0.00040.
gnomAD v4.1: 4,199 of 1,610,568 alleles (0.26%); highest among the groups gnomAD compares: Non-Finnish European, 0.32%; 15 homozygotes.

Submissions (2):

CeGaT Center for Human Genetics Tuebingen
Classification: Likely benign. Last evaluated: 2023-01-01. Review status: criteria provided, single submitter. Criteria: CeGaT Center For Human Genetics Tuebingen Variant Classification Criteria Version 2. Collection method: clinical testing. Allele origin: germline. Affected: yes. Observed: 2 variant alleles.
Comment: HECTD4: PP2, BS2

PreventionGenetics, part of Exact Sciences
Classification: Likely benign for HECTD4-related condition. Last evaluated: 2022-03-03. Review status: no assertion criteria provided. Collection method: clinical testing. Allele origin: germline. Not counted in ClinVar's aggregate classification.
Comment: This variant is classified as likely benign based on ACMG/AMP sequence variant interpretation guidelines (Richards et al. 2015 PMID: 25741868, with internal and published modifications).